The following is an entry in ClinVar:

ClinVar aggregate classification (germline): Uncertain significance (1 of 4 stars; one submission).

Submission:

Labcorp Genetics (formerly Invitae), Labcorp
Classification: Uncertain significance. Last evaluated: 2025-10-07. Review status: criteria provided, single submitter. Criteria: Invitae Variant Classification Sherloc (09022015). Collection method: clinical testing. Allele origin: germline.
Comment: This sequence change replaces glycine, which is neutral and non-polar, with serine, which is neutral and polar, at codon 267 of the SLC7A14 protein (p.Gly267Ser). This variant is not present in population databases (gnomAD no frequency). This variant has not been reported in the literature in individuals affected with SLC7A14-related conditions. An algorithm developed to predict the effect of missense changes on protein structure and function (PolyPhen-2) suggests that this variant is likely to be disruptive. In summary, the available evidence is currently insufficient to determine the role of this variant in disease. Therefore, it has been classified as a Variant of Uncertain Significance.

NM_020949.3(SLC7A14):c.799G>A (p.Gly267Ser)

Genes: SLC7A14 (solute carrier family 7 member 14; minus strand), SLC7A14-AS1 (SLC7A14 antisense RNA 1; plus strand). Cytogenetic location: 3q26.2.
Variant type: single nucleotide variant.
Coding change: c.799G>A on transcript NM_020949.3 (MANE Select); coding-DNA position 799, G replaced by A.
Protein change: p.Gly267Ser; replaces glycine 267 with serine.
Molecular consequence: missense variant.
Genome position (GRCh38, 1-based): chr3:170,486,329, C>T on the plus strand (G>A on the coding strand, the complement: SLC7A14 is on the minus strand). VCF-style: chr3-170486329-C-T. GRCh37 (hg19) VCF-style: chr3-170204118-C-T.
Other names: short protein forms G267S.
Identifiers: ClinVar variation 4768234 (VCV004768234.1).